The following is an entry in ClinVar:

ClinVar aggregate classification (germline): Likely benign. Review status: criteria provided, single submitter (1 of 4 stars). 2 submissions from 2 submitters: Likely benign (1). 1 of the submissions does not count toward it. Last evaluated 2025-05-30.

Conditions:
Deficiency of butyryl-CoA dehydrogenase (ACADSD). Also called: Short-Chain Acyl-CoA Dehydrogenase Deficiency; SCAD DEFICIENCY, MILD; ACYL-CoA DEHYDROGENASE, SHORT-CHAIN, DEFICIENCY OF; SCADH DEFICIENCY; SCAD Deficiency; ACADS DEFICIENCY. Identifiers: Orphanet 26792, MedGen C0342783, MONDO:0008722, OMIM 201470. Disease mechanism: May be benign.
ACADS-related disorder. Also called: ACADS-related condition.

Allele frequency attached by ClinVar (database versions not stated): gnomAD exomes 0.00015; ExAC 0.00018; gnomAD 0.00046 and 0.00051; TOPMed 0.00056; ESP Exome Variant Server 0.00070.

Submissions (2):

Labcorp Genetics (formerly Invitae), Labcorp
Classification: Likely benign for Deficiency of butyryl-CoA dehydrogenase. Last evaluated: 2025-05-30. Review status: criteria provided, single submitter. Criteria: Invitae Variant Classification Sherloc (09022015). Collection method: clinical testing. Allele origin: germline.

PreventionGenetics, part of Exact Sciences
Classification: Likely benign for ACADS-related condition. Last evaluated: 2024-07-19. Review status: no assertion criteria provided. Collection method: clinical testing. Allele origin: germline. Not counted in ClinVar's aggregate classification.
Comment: This variant is classified as likely benign based on ACMG/AMP sequence variant interpretation guidelines (Richards et al. 2015 PMID: 25741868, with internal and published modifications).

NM_000017.4(ACADS):c.1053C>T (p.Ala351=)

Gene: ACADS (acyl-CoA dehydrogenase short chain; plus strand). Cytogenetic location: 12q24.31.
Variant type: single nucleotide variant.
Coding change: c.1053C>T on transcript NM_000017.4 (MANE Select); coding-DNA position 1053, C replaced by T.
Protein change: p.Ala351=; no amino-acid change (alanine 351 retained).
Molecular consequence: synonymous variant.
Genome position (GRCh38, 1-based): chr12:120,739,163, C>T. VCF-style: chr12-120739163-C-T. GRCh37 (hg19) VCF-style: chr12-121176966-C-T.
Other names: c.1041C>T, p.Ala347= (NM_001302554.2).
Identifiers: ClinVar variation 716376 (VCV000716376.9), dbSNP rs145594828, ClinGen allele CA6831195.